The following is an entry in ClinVar:

NM_014484.5(MOCS3):c.496G>T (p.Ala166Ser)

Gene: MOCS3 (molybdenum cofactor synthesis 3; plus strand). Cytogenetic location: 20q13.13.
Variant type: single nucleotide variant.
Coding change: c.496G>T on transcript NM_014484.5 (MANE Select); coding-DNA position 496, G replaced by T.
Protein change: p.Ala166Ser; replaces alanine 166 with serine.
Molecular consequence: missense variant.
Genome position (GRCh38, 1-based): chr20:50,959,338, G>T. VCF-style: chr20-50959338-G-T. GRCh37 (hg19) VCF-style: chr20-49575875-G-T.
Other names: short protein forms A166S.
Identifiers: ClinVar variation 1431763 (VCV001431763.6), dbSNP rs1256972443, ClinGen allele CA408983136.

ClinVar aggregate classification (germline): Uncertain significance (1 of 4 stars; one submission).

Allele frequency attached by ClinVar (database versions not stated): gnomAD exomes below 0.00001 and 0.00001; TOPMed 0.00001.

Submission:

Labcorp Genetics (formerly Invitae), Labcorp
Classification: Uncertain significance. Last evaluated: 2021-11-17. Review status: criteria provided, single submitter. Criteria: Invitae Variant Classification Sherloc (09022015). Collection method: clinical testing. Allele origin: germline.
Comment: This variant has not been reported in the literature in individuals affected with MOCS3-related conditions. Algorithms developed to predict the effect of missense changes on protein structure and function are either unavailable or do not agree on the potential impact of this missense change (SIFT: "Deleterious"; PolyPhen-2: "Probably Damaging"; Align-GVGD: "Class C15"). In summary, the available evidence is currently insufficient to determine the role of this variant in disease. Therefore, it has been classified as a Variant of Uncertain Significance. The frequency data for this variant in the population databases is considered unreliable, as metrics indicate poor data quality at this position in the gnomAD database. This sequence change replaces alanine, which is neutral and non-polar, with serine, which is neutral and polar, at codon 166 of the MOCS3 protein (p.Ala166Ser).